The following is an entry in ClinVar:

NM_001453.3(FOXC1):c.1492C>T (p.Pro498Ser)

Gene: FOXC1 (forkhead box C1; plus strand). Cytogenetic location: 6p25.3.
Variant type: single nucleotide variant.
Coding change: c.1492C>T on transcript NM_001453.3 (MANE Select); coding-DNA position 1492, C replaced by T.
Protein change: p.Pro498Ser; replaces proline 498 with serine.
Molecular consequence: missense variant.
Genome position (GRCh38, 1-based): chr6:1,611,937, C>T. VCF-style: chr6-1611937-C-T. GRCh37 (hg19) VCF-style: chr6-1612172-C-T.
Other names: short protein forms P498S.
Identifiers: ClinVar variation 2807449 (VCV002807449.3), dbSNP rs1008202997, ClinGen allele CA362561035.

ClinVar aggregate classification (germline): Uncertain significance (1 of 4 stars; one submission).

Conditions:
Axenfeld-Rieger syndrome type 3 (RIEG3). Also called: AXENFELD-RIEGER ANOMALY WITH CARDIAC DEFECTS AND/OR SENSORINEURAL HEARING LOSS. Identifiers: Orphanet 782, MedGen C2678503, MONDO:0011233, OMIM 602482.

Allele frequency attached by ClinVar (database versions not stated): gnomAD exomes below 0.00001.

Submission:

Labcorp Genetics (formerly Invitae), Labcorp
Classification: Uncertain significance for Axenfeld-Rieger syndrome type 3. Last evaluated: 2022-12-07. Review status: criteria provided, single submitter. Criteria: Invitae Variant Classification Sherloc (09022015). Collection method: clinical testing. Allele origin: germline.
Comment: In summary, the available evidence is currently insufficient to determine the role of this variant in disease. Therefore, it has been classified as a Variant of Uncertain Significance. Algorithms developed to predict the effect of missense changes on protein structure and function are either unavailable or do not agree on the potential impact of this missense change (SIFT: "Deleterious"; PolyPhen-2: "Probably Damaging"; Align-GVGD: "Class C0"). This variant has not been reported in the literature in individuals affected with FOXC1-related conditions. This variant is not present in population databases (gnomAD no frequency). This sequence change replaces proline, which is neutral and non-polar, with serine, which is neutral and polar, at codon 498 of the FOXC1 protein (p.Pro498Ser).